The following is an entry in ClinVar:

NM_000135.4(FANCA):c.2714G>C (p.Arg905Thr)

Gene: FANCA (FA complementation group A; minus strand). Cytogenetic location: 16q24.3.
Variant type: single nucleotide variant.
Coding change: c.2714G>C on transcript NM_000135.4 (MANE Select); coding-DNA position 2714, G replaced by C.
Protein change: p.Arg905Thr; replaces arginine 905 with threonine.
Molecular consequence: missense variant.
Genome position (GRCh38, 1-based): chr16:89,764,954, C>G on the plus strand (G>C on the coding strand, the complement: FANCA is on the minus strand). VCF-style: chr16-89764954-C-G. GRCh37 (hg19) VCF-style: chr16-89831362-C-G.
Other names: c.2714G>C, p.Arg905Thr (NM_001286167.3); short protein forms R905T.
Identifiers: ClinVar variation 3512730 (VCV003512730.1).

ClinVar aggregate classification (germline): Uncertain significance (1 of 4 stars; one submission).

Conditions:
Inborn genetic diseases. Identifiers: MedGen C0950123, MeSH D030342.

gnomAD v4.1: 1 of 1,614,216 alleles (0.000062%); highest among the groups gnomAD compares: Non-Finnish European, 0.000085%; no homozygotes.

Submission:

Ambry Genetics
Classification: Uncertain significance for Inborn genetic diseases. Last evaluated: 2024-12-09. Review status: criteria provided, single submitter. Criteria: Ambry Variant Classification Scheme 2023. Collection method: clinical testing. Allele origin: germline.
Comment: The p.R905T variant (also known as c.2714G>C), located in coding exon 28 of the FANCA gene, results from a G to C substitution at nucleotide position 2714. The arginine at codon 905 is replaced by threonine, an amino acid with similar properties. This amino acid position is conserved. In addition, the in silico prediction for this alteration is inconclusive. Based on the available evidence, the clinical significance of this variant remains unclear.